The following is an entry in ClinVar:

ClinVar aggregate classification (germline): Likely benign (1 of 4 stars; one submission).

Conditions:
BBS4-related disorder. Also called: BBS4-related condition.

Submission:

PreventionGenetics, part of Exact Sciences
Classification: Likely benign for BBS4-related condition. Last evaluated: 2026-01-13. Review status: criteria provided, single submitter. Criteria: ACMG Guidelines, 2015. Collection method: clinical testing. Allele origin: germline.
Comment: This variant is classified as likely benign based on ACMG/AMP sequence variant interpretation guidelines (Richards et al. 2015 PMID: 25741868, with internal and published modifications).

NM_033028.5(BBS4):c.1350T>C (p.Thr450=)

Gene: BBS4 (Bardet-Biedl syndrome 4; plus strand). Cytogenetic location: 15q24.1.
Variant type: single nucleotide variant.
Coding change: c.1350T>C on transcript NM_033028.5 (MANE Select); coding-DNA position 1350, T replaced by C.
Protein change: p.Thr450=; no amino-acid change (threonine 450 retained).
Molecular consequence: synonymous variant. On other transcripts: non-coding transcript variant (2).
Genome position (GRCh38, 1-based): chr15:72,736,863, T>C. VCF-style: chr15-72736863-T-C. GRCh37 (hg19) VCF-style: chr15-73029204-T-C.
Other names: c.834T>C, p.Thr278= (NM_001252678.2); c.1281T>C, p.Thr427= (NM_001320665.2).
Identifiers: ClinVar variation 4993919 (VCV004993919.1).